The following is an entry in ClinVar:

NM_004415.4(DSP):c.186G>A (p.Met62Ile)

Gene: DSP (desmoplakin; plus strand). Cytogenetic location: 6p24.3.
Variant type: single nucleotide variant.
Coding change: c.186G>A on transcript NM_004415.4 (MANE Select); coding-DNA position 186, G replaced by A.
Protein change: p.Met62Ile; replaces methionine 62 with isoleucine.
Molecular consequence: missense variant.
Genome position (GRCh38, 1-based): chr6:7,555,733, G>A. VCF-style: chr6-7555733-G-A. GRCh37 (hg19) VCF-style: chr6-7555966-G-A.
Other names: c.186G>A, p.Met62Ile (NM_001008844.3, NM_001319034.2); short protein forms M62I.
Identifiers: ClinVar variation 1034730 (VCV001034730.14), dbSNP rs1758488135, ClinGen allele CA362670625.

ClinVar aggregate classification (germline): Uncertain significance. Review status: criteria provided, multiple submitters, no conflicts (2 of 4 stars). 5 submissions from 5 submitters: Uncertain significance (5). Last evaluated 2025-04-04.

Conditions:
Arrhythmogenic cardiomyopathy with wooly hair and keratoderma. Also called: Dilated cardiomyopathy with woolly hair and keratoderma; Carvajal syndrome; PALMOPLANTAR KERATODERMA WITH LEFT VENTRICULAR CARDIOMYOPATHY AND WOOLLY HAIR; Arrhythmogenic cardiomyopathy with woolly hair and keratoderma. Identifiers: Orphanet 65282, MedGen C1854063, MONDO:0011581, OMIM 605676.
Arrhythmogenic right ventricular dysplasia 8 (ARVD8). Also called: ARRHYTHMOGENIC RIGHT VENTRICULAR DYSPLASIA, FAMILIAL, 8; ARRHYTHMOGENIC RIGHT VENTRICULAR CARDIOMYOPATHY 8; Arrhythmogenic Right Ventricular Dysplasia/Cardiomyopathy 8. Identifiers: MedGen C1843896, MONDO:0011831, OMIM 607450.
Cardiovascular phenotype. Identifiers: MedGen CN230736.
Cardiomyopathy (CMYO). Also called: Cardiomyopathies. Identifiers: Orphanet 167848, MedGen C0878544, MONDO:0004994, HP:0001638. Inheritance: Various modes of inheritance.

Allele frequency attached by ClinVar (database versions not stated): gnomAD exomes below 0.00001; TOPMed below 0.00001.

Submissions (5):

Ambry Genetics
Classification: Uncertain significance for Cardiovascular phenotype. Last evaluated: 2025-04-04. Review status: criteria provided, single submitter. Criteria: Ambry Variant Classification Scheme 2023. Collection method: clinical testing. Allele origin: germline.
Comment: The p.M62I variant (also known as c.186G>A), located in coding exon 2 of the DSP gene, results from a G to A substitution at nucleotide position 186. The methionine at codon 62 is replaced by isoleucine, an amino acid with highly similar properties. This amino acid position is well conserved in available vertebrate species. In addition, this alteration is predicted to be tolerated by in silico analysis. Based on the available evidence, the clinical significance of this variant remains unclear.

All of Us Research Program, National Institutes of Health
Classification: Uncertain significance for Arrhythmogenic cardiomyopathy with wooly hair and keratoderma. Last evaluated: 2023-12-13. Review status: criteria provided, single submitter. Criteria: ACMG Guidelines, 2015. Collection method: clinical testing. Allele origin: germline. Inheritance: Autosomal dominant inheritance. Observed: 1 variant allele, 1 heterozygote.
Comment: This missense variant replaces methionine with isoleucine at codon 62 of the DSP protein. Computational prediction suggests that this variant may not impact protein structure and function (internally defined REVEL score threshold <= 0.5, PMID: 27666373). To our knowledge, functional studies have not been reported for this variant. This variant has not been reported in individuals affected with cardiovascular disorders in the literature. This variant has not been identified in the general population by the Genome Aggregation Database (gnomAD). The available evidence is insufficient to determine the role of this variant in disease conclusively. Therefore, this variant is classified as a Variant of Uncertain Significance.

This study involves interpretation of variants in research participants for the purpose of population health screening. Participant phenotype was not available at the time of variant classification. Additional details can be found in publication PMID: 35346344, PMCID: PMC8962531

Color Diagnostics, LLC DBA Color Health
Classification: Uncertain significance for Cardiomyopathy. Last evaluated: 2023-11-08. Review status: criteria provided, single submitter. Criteria: ACMG Guidelines, 2015. Collection method: clinical testing. Allele origin: germline.
Comment: This missense variant replaces methionine with isoleucine at codon 62 of the DSP protein. Computational prediction suggests that this variant may not impact protein structure and function (internally defined REVEL score threshold <= 0.5, PMID: 27666373). To our knowledge, functional studies have not been reported for this variant. This variant has not been reported in individuals affected with cardiovascular disorders in the literature. This variant has not been identified in the general population by the Genome Aggregation Database (gnomAD). The available evidence is insufficient to determine the role of this variant in disease conclusively. Therefore, this variant is classified as a Variant of Uncertain Significance.

Labcorp Genetics (formerly Invitae), Labcorp
Classification: Uncertain significance for Arrhythmogenic cardiomyopathy with wooly hair and keratoderma; Arrhythmogenic right ventricular dysplasia 8. Last evaluated: 2023-09-05. Review status: criteria provided, single submitter. Criteria: Invitae Variant Classification Sherloc (09022015). Collection method: clinical testing. Allele origin: germline.
Comment: This sequence change replaces methionine, which is neutral and non-polar, with isoleucine, which is neutral and non-polar, at codon 62 of the DSP protein (p.Met62Ile). In summary, the available evidence is currently insufficient to determine the role of this variant in disease. Therefore, it has been classified as a Variant of Uncertain Significance. Algorithms developed to predict the effect of missense changes on protein structure and function output the following: SIFT: "Not Available"; PolyPhen-2: "Benign"; Align-GVGD: "Not Available". The isoleucine amino acid residue is found in multiple mammalian species, which suggests that this missense change does not adversely affect protein function. ClinVar contains an entry for this variant (Variation ID: 1034730). This variant has not been reported in the literature in individuals affected with DSP-related conditions. This variant is not present in population databases (gnomAD no frequency).

GeneDx
Classification: Uncertain significance. Last evaluated: 2023-05-30. Review status: criteria provided, single submitter. Criteria: GeneDx Variant Classification Process June 2021. Collection method: clinical testing. Allele origin: germline. Affected: yes.
Comment: Has not been previously published as pathogenic or benign to our knowledge; Not observed at significant frequency in large population cohorts (gnomAD); In silico analysis supports that this missense variant does not alter protein structure/function